The following is an entry in ClinVar:

NM_015057.5(MYCBP2):c.6859A>G (p.Ile2287Val)

Gene: MYCBP2 (MYC binding protein 2; minus strand). Cytogenetic location: 13q22.3.
Variant type: single nucleotide variant.
Coding change: c.6859A>G on transcript NM_015057.5 (MANE Select); coding-DNA position 6859, A replaced by G.
Protein change: p.Ile2287Val; replaces isoleucine 2287 with valine.
Molecular consequence: missense variant.
Genome position (GRCh38, 1-based): chr13:77,156,114, T>C on the plus strand (A>G on the coding strand, the complement: MYCBP2 is on the minus strand). VCF-style: chr13-77156114-T-C. GRCh37 (hg19) VCF-style: chr13-77730249-T-C.
Other names: short protein forms I2287V.
Identifiers: ClinVar variation 4985772 (VCV004985772.1).

ClinVar aggregate classification (germline): Uncertain significance (1 of 4 stars; one submission).

Conditions:
MYCBP2-related disorder. Also called: MYCBP2-related condition.

gnomAD v4.1: 5 of 1,614,088 alleles (0.00031%); highest among the groups gnomAD compares: East Asian, 0.0022%; no homozygotes.

Submission:

PreventionGenetics, part of Exact Sciences
Classification: Uncertain significance for MYCBP2-related condition. Last evaluated: 2026-06-01. Review status: criteria provided, single submitter. Criteria: ACMG Guidelines, 2015. Collection method: clinical testing. Allele origin: germline.
Comment: The MYCBP2 c.6859A>G variant is predicted to result in the amino acid substitution p.Ile2287Val. To our knowledge, this variant has not been reported in the literature. This variant is absent in a large population database (gnomAD), indicating this variant is rare. At this time, the clinical significance of this variant is uncertain due to the absence of conclusive functional and genetic evidence.